The following is an entry in ClinVar:

NM_020686.6(ABAT):c.1269+6A>G

Gene: ABAT (4-aminobutyrate aminotransferase; plus strand). Cytogenetic location: 16p13.2.
Variant type: single nucleotide variant.
Coding change: c.1269+6A>G on transcript NM_020686.6 (MANE Select); 6 bases into the intron after coding-DNA position 1269, A replaced by G.
Molecular consequence: intron variant.
Genome position (GRCh38, 1-based): chr16:8,776,496, A>G. VCF-style: chr16-8776496-A-G. GRCh37 (hg19) VCF-style: chr16-8870353-A-G.
Other names: c.1134+6A>G (NM_001386610.1, NM_001386611.1); c.1023+6A>G (NM_001386614.1); c.1269+6A>G (NM_001386601.1, NM_001386603.1, NM_001386600.1 and 6 more transcripts); c.1071+6A>G (NM_001386612.1, NM_001386613.1); c.1206+6A>G (NM_001386606.1, NM_001386607.1); c.1365+6A>G (NM_001386615.1); c.1230+6A>G (NM_001386605.1); c.1176+6A>G (NM_001386608.1).
Identifiers: ClinVar variation 578433 (VCV000578433.6), dbSNP rs372790444, ClinGen allele CA7893476.

ClinVar aggregate classification (germline): Uncertain significance. Review status: criteria provided, single submitter (1 of 4 stars). 2 submissions from 2 submitters: Uncertain significance (1). 1 of the submissions does not count toward it. Last evaluated 2022-10-25.

Conditions:
ABAT-related disorder. Also called: ABAT-related condition.
Gamma-aminobutyric acid transaminase deficiency (GABATD). Also called: GABA aminotransaminase deficiency; GABA transaminase deficiency; Gamma aminobutyrate transaminase deficiency; 4 alpha aminobutyrate transaminase deficiency. Identifiers: Orphanet 2066, MedGen C0342708, MONDO:0013166, OMIM 613163.

Allele frequency attached by ClinVar (database versions not stated): gnomAD exomes 0.00005 and 0.00009; ExAC 0.00007; ESP Exome Variant Server 0.00008; TOPMed 0.00010; gnomAD 0.00011 and 0.00012.
gnomAD v4.1: 151 of 1,604,286 alleles (0.0094%); highest among the groups gnomAD compares: Non-Finnish European, 0.012%; no homozygotes.

Submissions (2):

Labcorp Genetics (formerly Invitae), Labcorp
Classification: Uncertain significance for Gamma-aminobutyric acid transaminase deficiency. Last evaluated: 2022-10-25. Review status: criteria provided, single submitter. Criteria: Invitae Variant Classification Sherloc (09022015). Collection method: clinical testing. Allele origin: germline.
Comment: This sequence change falls in intron 14 of the ABAT gene. It does not directly change the encoded amino acid sequence of the ABAT protein. It affects a nucleotide within the consensus splice site. This variant is present in population databases (rs372790444, gnomAD 0.01%). This variant has not been reported in the literature in individuals affected with ABAT-related conditions. ClinVar contains an entry for this variant (Variation ID: 578433). Variants that disrupt the consensus splice site are a relatively common cause of aberrant splicing (PMID: 17576681, 9536098). Algorithms developed to predict the effect of sequence changes on RNA splicing suggest that this variant is not likely to affect RNA splicing. In summary, the available evidence is currently insufficient to determine the role of this variant in disease. Therefore, it has been classified as a Variant of Uncertain Significance.

PreventionGenetics, part of Exact Sciences
Classification: Likely benign for ABAT-related condition. Last evaluated: 2019-06-19. Review status: no assertion criteria provided. Collection method: clinical testing. Allele origin: germline. Not counted in ClinVar's aggregate classification.
Comment: This variant is classified as likely benign based on ACMG/AMP sequence variant interpretation guidelines (Richards et al. 2015 PMID: 25741868, with internal and published modifications).

Literature cited by the submitters: PubMed 17576681 (cited by Labcorp Genetics (formerly Invitae), Labcorp); PubMed 9536098 (cited by Labcorp Genetics (formerly Invitae), Labcorp).